The following is an entry in ClinVar:

NM_000492.4(CFTR):c.2463_2464del (p.Ser821fs)

Gene: CFTR (CF transmembrane conductance regulator; plus strand). Cytogenetic location: 7q31.2.
Variant type: Deletion.
Coding change: c.2463_2464del on transcript NM_000492.4 (MANE Select); coding-DNA positions 2463 to 2464, 2 bases deleted (TG; older notation c.2463_2464delTG).
Protein change: p.Ser821fs; shifts the reading frame from serine 821.
Molecular consequence: frameshift variant.
Genome position (GRCh38, 1-based): chr7:117,592,630-117,592,631, TG deleted; deleting any 2 consecutive bases within chr7:117,592,629-117,592,631 gives the same sequence; the c. name uses the placement nearest the transcript's 3' end. VCF-style (leftmost placement, unchanged base first): chr7-117592628-AGT-A. GRCh37 (hg19) VCF-style: chr7-117232682-AGT-A.
Other names: 2594delGT; c.2463_2464delTG (NM_000492.3); short protein forms S821fs.
Identifiers: ClinVar variation 455767 (VCV000455767.13), dbSNP rs797045156, ClinGen allele CA276108.
Genomic context (GRCh38, chr7:117,592,628, plus strand): 5'-AACTTGACTGAACTGGATATATATTCAAGAAGGTTATCTCAAGAAACTGGCTTGGAAATA[AGT>A]GAAGAAATTAACGAAGAAGACTTAAAGGTAGGTATACATCGCTTGGGGGTATTTCACCCC-3'

ClinVar aggregate classification (germline): Pathogenic. Review status: reviewed by expert panel (3 of 4 stars). 4 submissions from 4 submitters: Pathogenic (1). 3 of the submissions do not count toward it. Last evaluated 2017-03-17.

Conditions:
CFTR-related disorder (CFTR-RD). Also called: CFTR-related disorders; CFTR-related condition. Identifiers: MedGen C5924204, MONDO:7770004.
Cystic fibrosis (CF). Also called: MUCOVISCIDOSIS. Identifiers: Orphanet 586, MedGen C0010674, MONDO:0009061, OMIM 219700. Disease mechanism: loss of function.

Submissions (4):

CFTR2
Classification: Pathogenic for Cystic fibrosis. Last evaluated: 2017-03-17. Review status: reviewed by expert panel. Criteria: Sosnay PR et al. (Nat Genet 2013). Collection method: research. Allele origin: germline. Affected: yes. Study: CFTR2.

Labcorp Genetics (formerly Invitae), Labcorp
Classification: Pathogenic for Cystic fibrosis. Last evaluated: 2025-12-27. Review status: criteria provided, single submitter. Criteria: Invitae Variant Classification Sherloc (09022015). Collection method: clinical testing. Allele origin: germline. Not counted in ClinVar's aggregate classification.
Comment: This sequence change creates a premature translational stop signal (p.Ser821Argfs*4) in the CFTR gene. It is expected to result in an absent or disrupted protein product. Loss-of-function variants in CFTR are known to be pathogenic (PMID: 1695717, 7691345, 9725922). This variant is not present in population databases (gnomAD no frequency). This premature translational stop signal has been observed in individual(s) with cystic fibrosis (PMID: 12000363). In at least one individual the data is consistent with being in trans (on the opposite chromosome) from a pathogenic variant. ClinVar contains an entry for this variant (Variation ID: 455767). For these reasons, this variant has been classified as Pathogenic.

Natera, Inc.
Classification: Pathogenic for CFTR-related disorders. Last evaluated: 2025-08-05. Review status: criteria provided, single submitter. Criteria: Natera Variant Classification Schema (03/2026). Collection method: clinical testing. Allele origin: germline. Not counted in ClinVar's aggregate classification.
Comment: The c.2463_2464delTG variant in CFTR is a frameshift variant predicted to shift the reading frame beginning at codon 821 and leads to a stop codon 4 codons downstream. This variant is expected to result in nonsense mediated decay, truncation, or a dysfunctional protein product. This variant is rare in the general population with a frequency below the threshold expected for the associated phenotype(s). This variant has been observed in one or more individuals affected with the associated recessive disease, as either homozygous or compound heterozygous with a second variant (PMID: 26500004). Given the available evidence, this variant is classified as Pathogenic.

Counsyl
Classification: Pathogenic for Cystic fibrosis. Last evaluated: 2017-11-08. Review status: no assertion criteria provided. Collection method: clinical testing. Allele origin: unknown. Not counted in ClinVar's aggregate classification.

Literature cited by the submitters: PubMed 1695717 (cited by Labcorp Genetics (formerly Invitae), Labcorp); PubMed 7691345 (cited by Labcorp Genetics (formerly Invitae), Labcorp); PubMed 9725922 (cited by Labcorp Genetics (formerly Invitae), Labcorp); PubMed 12000363 (cited by Labcorp Genetics (formerly Invitae), Labcorp); PubMed 26500004 (cited by Natera, Inc.).